The following is an entry in ClinVar:

NM_007294.4(BRCA1):c.1336dup (p.Arg446fs)

Gene: BRCA1 (BRCA1 DNA repair associated; minus strand). Cytogenetic location: 17q21.31.
Variant type: Duplication.
Coding change: c.1336dup on transcript NM_007294.4 (MANE Select); coding-DNA position 1336, one base duplicated (A; older notation c.1336dupA).
Protein change: p.Arg446fs; shifts the reading frame from arginine 446.
Molecular consequence: frameshift variant. On other transcripts: intron variant (137).
Genome position (GRCh38, 1-based): chr17:43,094,195, T duplicated on the plus strand (A on the coding strand, the reverse complement: BRCA1 is on the minus strand); the first of 3 consecutive T bases (chr17:43,094,195-43,094,197); duplicating any one gives the same sequence. VCF-style (leftmost placement, unchanged base first): chr17-43094194-C-CT. GRCh37 (hg19) VCF-style: chr17-41246211-C-CT.
Other names: 1455insA; c.1072dup, p.Arg358fs (NM_001407921.1, NM_001407922.1, NM_001407923.1 and 9 more transcripts); c.1069dup, p.Arg357fs (NM_001407930.1, NM_001407931.1, NM_001407932.1 and 2 more transcripts); c.1213dup, p.Arg405fs (NM_001407937.1, NM_001407938.1, NM_001407939.1 and 19 more transcripts); c.1210dup, p.Arg404fs (NM_001407940.1, NM_001407941.1, NM_001407649.1 and 11 more transcripts); c.1195dup, p.Arg399fs (NM_001407942.1, NM_001407944.1, NM_001407945.1 and 29 more transcripts); c.1192dup, p.Arg398fs (NM_001407943.1, NM_001407964.1, NM_001407740.1 and 20 more transcripts); c.1003dup, p.Arg335fs (NM_001407946.1, NM_001407947.1, NM_001407948.1 and 6 more transcripts); and 42 more; short protein forms R399fs, R446fs, R150fs, R278fs, R358fs, R376fs, R404fs, R318fs.
Identifiers: ClinVar variation 91546 (VCV000091546.3), dbSNP rs80357978, ClinGen allele CA000872.

ClinVar aggregate classification (germline): Pathogenic. Review status: reviewed by expert panel (3 of 4 stars). 2 submissions from 2 submitters: Pathogenic (1). 1 of the submissions does not count toward it. Last evaluated 2016-09-08.

Conditions:
Breast-ovarian cancer, familial, susceptibility to, 1 (BROVCA1). Also called: BRCA1 Hereditary Breast and Ovarian Cancer; OVARIAN CANCER, SUSCEPTIBILITY TO. Identifiers: Orphanet 145, MedGen C2676676, MONDO:0011450, OMIM 604370. Disease mechanism: loss of function.

Submissions (2):

Evidence-based Network for the Interpretation of Germline Mutant Alleles (ENIGMA)
Classification: Pathogenic for Breast-ovarian cancer, familial, susceptibility to, 1. Last evaluated: 2016-09-08. Review status: reviewed by expert panel. Criteria: ENIGMA BRCA1/2 Classification Criteria (2015). Collection method: curation. Allele origin: germline.
Comment: Variant allele predicted to encode a truncated non-functional protein.

Sharing Clinical Reports Project (SCRP)
Classification: Pathogenic for Breast-ovarian cancer, familial 1. Last evaluated: 2012-10-23. Review status: no assertion criteria provided. Collection method: clinical testing. Allele origin: germline. Not counted in ClinVar's aggregate classification.